The following is an entry in ClinVar:

NM_000478.6(ALPL):c.1283G>T (p.Arg428Leu)

Gene: ALPL (alkaline phosphatase, biomineralization associated; plus strand). Cytogenetic location: 1p36.12.
Variant type: single nucleotide variant.
Coding change: c.1283G>T on transcript NM_000478.6 (MANE Select); coding-DNA position 1283, G replaced by T.
Protein change: p.Arg428Leu; replaces arginine 428 with leucine.
Molecular consequence: missense variant.
Genome position (GRCh38, 1-based): chr1:21,576,615, G>T. VCF-style: chr1-21576615-G-T. GRCh37 (hg19) VCF-style: chr1-21903108-G-T.
Other names: c.1118G>T, p.Arg373Leu (NM_001127501.4); c.1052G>T, p.Arg351Leu (NM_001177520.3); c.1283G>T, p.Arg428Leu (NM_001369803.2, NM_001369804.2, NM_001369805.2); short protein forms R351L, R373L, R428L.
Identifiers: ClinVar variation 2578569 (VCV002578569.25), dbSNP rs1644741201, ClinGen allele CA338881852.

ClinVar aggregate classification (germline): Uncertain significance (1 of 4 stars; one submission).

Submission:

CeGaT Center for Human Genetics Tuebingen
Classification: Uncertain significance. Last evaluated: 2023-07-01. Review status: criteria provided, single submitter. Criteria: CeGaT Center For Human Genetics Tuebingen Variant Classification Criteria Version 2. Collection method: clinical testing. Allele origin: germline. Affected: yes. Observed: 1 variant allele.
Comment: ALPL: PM2, PM5